The following is an entry in ClinVar:

ClinVar aggregate classification (germline): Uncertain significance (1 of 4 stars; one submission).

Conditions:
Diamond-Blackfan anemia. Also called: Blackfan Diamond syndrome; Aregenerative anemia chronic congenital; Red cell aplasia, pure hereditary; Congenital hypoplastic anemia; Aase syndrome. Identifiers: Orphanet 124, MedGen C1260899, MeSH D029503, MONDO:0015253, HP:0004810.

Allele frequency attached by ClinVar (database versions not stated): TOPMed below 0.00001; gnomAD 0.00001; gnomAD exomes 0.00001.
gnomAD v4.1: 4 of 1,614,052 alleles (0.00025%); highest among the groups gnomAD compares: South Asian, 0.0011%; no homozygotes.

Submission:

Labcorp Genetics (formerly Invitae), Labcorp
Classification: Uncertain significance for Diamond-Blackfan anemia. Last evaluated: 2022-03-18. Review status: criteria provided, single submitter. Criteria: Invitae Variant Classification Sherloc (09022015). Collection method: clinical testing. Allele origin: germline.
Comment: This sequence change replaces tyrosine, which is neutral and polar, with histidine, which is basic and polar, at codon 68 of the RPS10 protein (p.Tyr68His). This variant is not present in population databases (gnomAD no frequency). This variant has not been reported in the literature in individuals affected with RPS10-related conditions. Algorithms developed to predict the effect of missense changes on protein structure and function (SIFT, PolyPhen-2, Align-GVGD) all suggest that this variant is likely to be disruptive. In summary, the available evidence is currently insufficient to determine the role of this variant in disease. Therefore, it has been classified as a Variant of Uncertain Significance.

NM_001014.5(RPS10):c.202T>C (p.Tyr68His)

Genes: RPS10 (ribosomal protein S10; minus strand), RPS10-NUDT3 (RPS10-NUDT3 readthrough; minus strand). Cytogenetic location: 6p21.31.
Variant type: single nucleotide variant.
Coding change: c.202T>C on transcript NM_001014.5 (MANE Select); coding-DNA position 202, T replaced by C.
Protein change: p.Tyr68His; replaces tyrosine 68 with histidine.
Molecular consequence: missense variant.
Genome position (GRCh38, 1-based): chr6:34,424,789, A>G on the plus strand (T>C on the coding strand, the complement: RPS10 is on the minus strand). VCF-style: chr6-34424789-A-G. GRCh37 (hg19) VCF-style: chr6-34392566-A-G.
Other names: c.202T>C, p.Tyr68His (NM_001202470.3, NM_001203245.3, NM_001204091.2); short protein forms Y68H.
Identifiers: ClinVar variation 2188558 (VCV002188558.4), dbSNP rs1765896637, ClinGen allele CA363885229.